The following is an entry in ClinVar:

ClinVar aggregate classification (germline): Benign/Likely benign. Review status: criteria provided, multiple submitters, no conflicts (2 of 4 stars). 3 submissions from 3 submitters: Benign (1); Likely benign (2). Last evaluated 2025-07-30.

Conditions:
Pheochromocytoma/paraganglioma syndrome 5. Also called: Paragangliomas 5; SDHA-Related Hereditary Paraganglioma-Pheochromocytoma Syndrome. Identifiers: Orphanet 29072, MedGen C3279992, MONDO:0013602, OMIM 614165.
Mitochondrial complex II deficiency, nuclear type 1. Also called: SUCCINATE CoQ REDUCTASE DEFICIENCY. Identifiers: Orphanet 3208, MedGen C5700310, MONDO:0100294, OMIM 252011.
Hereditary cancer-predisposing syndrome. Also called: Tumor predisposition; Neoplastic Syndromes, Hereditary; Hereditary Cancer Syndrome; Hereditary neoplastic syndrome. Identifiers: Orphanet 140162, MedGen C0027672, MeSH D009386, MONDO:0015356.

gnomAD v4.1: 1 of 1,611,990 alleles (0.000062%); highest among the groups gnomAD compares: Non-Finnish European, 0.000085%; no homozygotes.

Submissions (3):

Labcorp Genetics (formerly Invitae), Labcorp
Classification: Likely benign for Pheochromocytoma/paraganglioma syndrome 5; Mitochondrial complex II deficiency, nuclear type 1. Last evaluated: 2025-07-30. Review status: criteria provided, single submitter. Criteria: Invitae Variant Classification Sherloc (09022015). Collection method: clinical testing. Allele origin: germline.

Myriad Genetics, Inc.
Classification: Benign for Pheochromocytoma/paraganglioma syndrome 5. Last evaluated: 2025-03-10. Review status: criteria provided, single submitter. Criteria: Myriad Autosomal Dominant, Autosomal Recessive and X-Linked Classification Criteria (2023). Collection method: clinical testing. Allele origin: unknown.
Comment: This variant is considered benign. This variant is a silent/synonymous amino acid change and it is not expected to impact splicing.

Ambry Genetics
Classification: Likely benign for Hereditary cancer-predisposing syndrome. Last evaluated: 2021-07-27. Review status: criteria provided, single submitter. Criteria: Ambry Variant Classification Scheme 2023. Collection method: clinical testing. Allele origin: germline.

NM_004168.4(SDHA):c.1638A>C (p.Leu546=)

Gene: SDHA (succinate dehydrogenase complex flavoprotein subunit A; plus strand). Cytogenetic location: 5p15.33.
Variant type: single nucleotide variant.
Coding change: c.1638A>C on transcript NM_004168.4 (MANE Select); coding-DNA position 1638, A replaced by C.
Protein change: p.Leu546=; no amino-acid change (leucine 546 retained).
Molecular consequence: synonymous variant. On other transcripts: intron variant (1).
Genome position (GRCh38, 1-based): chr5:251,078, A>C. VCF-style: chr5-251078-A-C. GRCh37 (hg19) VCF-style: chr5-251193-A-C.
Other names: c.1494A>C, p.Leu498= (NM_001294332.2); c.1552-3315A>C (NM_001330758.2).
Identifiers: ClinVar variation 701542 (VCV000701542.12), dbSNP rs1041963, ClinGen allele CA442657304.